The following is an entry in ClinVar:

NM_024675.4(PALB2):c.1965dup (p.Pro656fs)

Gene: PALB2 (partner and localizer of BRCA2; minus strand). Cytogenetic location: 16p12.2.
Variant type: Duplication.
Coding change: c.1965dup on transcript NM_024675.4 (MANE Select); coding-DNA position 1965, one base duplicated (T; older notation c.1965dupT).
Protein change: p.Pro656fs; shifts the reading frame from proline 656.
Molecular consequence: frameshift variant.
Genome position (GRCh38, 1-based): chr16:23,630,189, A duplicated on the plus strand (T on the coding strand, the reverse complement: PALB2 is on the minus strand); the first of 5 consecutive A bases (chr16:23,630,189-23,630,193); duplicating any one gives the same sequence. VCF-style (leftmost placement, unchanged base first): chr16-23630188-G-GA. GRCh37 (hg19) VCF-style: chr16-23641509-G-GA.
Other names: c.1965dupT (NM_024675.3); short protein forms P656fs.
Identifiers: ClinVar variation 934805 (VCV000934805.18), dbSNP rs1597090596, ClinGen allele CA1139664599.

ClinVar aggregate classification (germline): Pathogenic. Review status: criteria provided, multiple submitters, no conflicts (2 of 4 stars). 6 submissions from 6 submitters: Pathogenic (6). Last evaluated 2025-08-03.

Conditions:
Hereditary cancer-predisposing syndrome. Also called: Neoplastic Syndromes, Hereditary; Hereditary Cancer Syndrome; Hereditary neoplastic syndrome; Tumor predisposition. Identifiers: Orphanet 140162, MedGen C0027672, MeSH D009386, MONDO:0015356.
Familial cancer of breast. Also called: Hereditary breast cancer; hereditary breast carcinoma; BREAST CANCER, FAMILIAL. Identifiers: Orphanet 227535, MedGen C0346153, MONDO:0016419, OMIM 114480. Disease mechanism: loss of function.
PALB2-related cancer predisposition. Identifiers: MedGen CN377761, MONDO:0700272.

Submissions (6):

Labcorp Genetics (formerly Invitae), Labcorp
Classification: Pathogenic for Familial cancer of breast. Last evaluated: 2025-08-03. Review status: criteria provided, single submitter. Criteria: Invitae Variant Classification Sherloc (09022015). Collection method: clinical testing. Allele origin: germline.
Comment: This sequence change creates a premature translational stop signal (p.Pro656Serfs*7) in the PALB2 gene. It is expected to result in an absent or disrupted protein product. Loss-of-function variants in PALB2 are known to be pathogenic (PMID: 17200668, 17200671, 17200672, 24136930, 25099575). This variant is not present in population databases (gnomAD no frequency). This premature translational stop signal has been observed in individual(s) with breast cancer (PMID: 31786208). ClinVar contains an entry for this variant (Variation ID: 934805). For these reasons, this variant has been classified as Pathogenic.

Department of Pathology and Laboratory Medicine, Sinai Health System
Classification: Pathogenic for PALB2-related cancer predisposition. Last evaluated: 2024-09-13. Review status: criteria provided, single submitter. Criteria: ACMG Guidelines, 2015. Collection method: clinical testing. Allele origin: germline.

Ambry Genetics
Classification: Pathogenic for Hereditary cancer-predisposing syndrome. Last evaluated: 2024-05-20. Review status: criteria provided, single submitter. Criteria: Ambry Variant Classification Scheme 2023. Collection method: clinical testing. Allele origin: germline.
Comment: The c.1965dupT pathogenic mutation, located in coding exon 5 of the PALB2 gene, results from a duplication of T at nucleotide position 1965, causing a translational frameshift with a predicted alternate stop codon (p.P656Sfs*7). This variant is considered to be rare based on population cohorts in the Genome Aggregation Database (gnomAD). This alteration is expected to result in loss of function by premature protein truncation or nonsense-mediated mRNA decay. As such, this alteration is interpreted as a disease-causing mutation.

Myriad Genetics, Inc.
Classification: Pathogenic for Familial cancer of breast. Last evaluated: 2023-09-12. Review status: criteria provided, single submitter. Criteria: Myriad Autosomal Dominant, Autosomal Recessive and X-Linked Classification Criteria (2023). Collection method: clinical testing. Allele origin: unknown.
Comment: This variant is considered pathogenic. This variant creates a frameshift predicted to result in premature protein truncation.

Baylor Genetics
Classification: Pathogenic for Familial cancer of breast. Last evaluated: 2022-12-14. Review status: criteria provided, single submitter. Criteria: ACMG Guidelines, 2015. Collection method: clinical testing. Allele origin: unknown.

GeneDx
Classification: Pathogenic. Last evaluated: 2021-04-23. Review status: criteria provided, single submitter. Criteria: GeneDx Variant Classification Process June 2021. Collection method: clinical testing. Allele origin: germline. Affected: yes.
Comment: Frameshift variant predicted to result in protein truncation or nonsense mediated decay in a gene for which loss-of-function is a known mechanism of disease; Not observed in large population cohorts (Lek 2016); This variant is associated with the following publications: (PMID: 31786208)

Literature cited by the submitters: PubMed 17200668 (cited by Labcorp Genetics (formerly Invitae), Labcorp); PubMed 17200671 (cited by Labcorp Genetics (formerly Invitae), Labcorp); PubMed 17200672 (cited by Labcorp Genetics (formerly Invitae), Labcorp); PubMed 24136930 (cited by Labcorp Genetics (formerly Invitae), Labcorp); PubMed 25099575 (cited by Labcorp Genetics (formerly Invitae), Labcorp); PubMed 31786208 (cited by Labcorp Genetics (formerly Invitae), Labcorp and Department of Pathology and Laboratory Medicine, Sinai Health System).